The following is an entry in ClinVar:

NM_173602.3(DIP2B):c.298T>A (p.Ser100Thr)

Gene: DIP2B (DIP2 acetate--CoA ligase B (putative); plus strand). Cytogenetic location: 12q13.12.
Variant type: single nucleotide variant.
Coding change: c.298T>A on transcript NM_173602.3 (MANE Select); coding-DNA position 298, T replaced by A.
Protein change: p.Ser100Thr; replaces serine 100 with threonine.
Molecular consequence: missense variant.
Genome position (GRCh38, 1-based): chr12:50,640,849, T>A. VCF-style: chr12-50640849-T-A. GRCh37 (hg19) VCF-style: chr12-51034632-T-A.
Other names: short protein forms S100T.
Identifiers: ClinVar variation 5000159 (VCV005000159.1).
Genomic context (GRCh38, chr12:50,640,849, plus strand): 5'-TCTGCTCCCTCTAAGTACCACCGAACTCGATCTGGGGGAGCCAGGGATGAACGATATCGA[T>A]CAGGTGAGGAGAAGCTGCAGAATGGCCAGCTGAATCGTTTTCCTAACAGTAGTATGAACT-3'
Protein context (NP_775873.2, residues 90-110): SGGARDERYR[Ser100Thr]DIHTEAVQAA

ClinVar aggregate classification (germline): Uncertain significance (1 of 4 stars; one submission).

Conditions:
DIP2B-related disorder. Also called: DIP2B-related condition.

Submission:

PreventionGenetics, part of Exact Sciences
Classification: Uncertain significance for DIP2B-related condition. Last evaluated: 2024-10-15. Review status: criteria provided, single submitter. Criteria: ACMG Guidelines, 2015. Collection method: clinical testing. Allele origin: germline.
Comment: The DIP2B c.298T>A variant is predicted to result in the amino acid substitution p.Ser100Thr. To our knowledge, this variant has not been reported in the literature or in a large population database, indicating this variant is rare. At this time, the clinical significance of this variant is uncertain due to the absence of conclusive functional and genetic evidence.